The following is an entry in ClinVar:

NM_000531.6(OTC):c.122A>G (p.Asp41Gly)

Gene: OTC (ornithine transcarbamylase; plus strand). Cytogenetic location: Xp11.4.
Variant type: single nucleotide variant.
Coding change: c.122A>G on transcript NM_000531.6 (MANE Select); coding-DNA position 122, A replaced by G.
Protein change: p.Asp41Gly; replaces aspartic acid 41 with glycine.
Molecular consequence: missense variant.
Genome position (GRCh38, 1-based): chrX:38,367,335, A>G. VCF-style: chrX-38367335-A-G. GRCh37 (hg19) VCF-style: chrX-38226588-A-G.
Other names: short protein forms D41G.
Identifiers: ClinVar variation 97107 (VCV000097107.10), dbSNP rs74518351, ClinGen allele CA224455.

ClinVar aggregate classification (germline): Likely pathogenic. Review status: criteria provided, single submitter (1 of 4 stars). 2 submissions from 2 submitters: Likely pathogenic (1). 1 of the submissions does not count toward it. Last evaluated 2019-11-18.

Conditions:
Ornithine carbamoyltransferase deficiency (OTCD). Also called: ORNITHINE TRANSCARBAMYLASE DEFICIENCY, HYPERAMMONEMIA DUE TO; ORNITHINE TRANSCARBAMYLASE DEFICIENCY; OTC DEFICIENCY; Ornithine Carbamoyltransferase Deficiency Disease. Identifiers: Orphanet 664, MedGen C0268542, MONDO:0010703, OMIM 311250.

Submissions (2):

Labcorp Genetics (formerly Invitae), Labcorp
Classification: Likely pathogenic for Ornithine carbamoyltransferase deficiency. Last evaluated: 2019-11-18. Review status: criteria provided, single submitter. Criteria: Invitae Variant Classification Sherloc (09022015). Collection method: clinical testing. Allele origin: germline.
Comment: This variant has been observed in individual(s) with ornithine transcarbamylase deficiency (PMID: 20458665, 19138872, 17334707). In at least one individual the variant was observed to be de novo. ClinVar contains an entry for this variant (Variation ID: 97107). Algorithms developed to predict the effect of missense changes on protein structure and function (SIFT, PolyPhen-2, Align-GVGD) all suggest that this variant is likely to be tolerated, but these predictions have not been confirmed by published functional studies and their clinical significance is uncertain. In summary, the currently available evidence indicates that the variant is pathogenic, but additional data are needed to prove that conclusively. Therefore, this variant has been classified as Likely Pathogenic. This variant is not present in population databases (ExAC no frequency). This sequence change replaces aspartic acid with glycine at codon 41 of the OTC protein (p.Asp41Gly). The aspartic acid residue is moderately conserved and there is a moderate physicochemical difference between aspartic acid and glycine.

GenMed Metabolism Lab
Classification: Pathogenic. Review status: no assertion criteria provided. Collection method: not provided. Allele origin: unknown. Not counted in ClinVar's aggregate classification.
ClinVar note: Converted during submission from pathogenic to Pathogenic.

Literature cited by the submitters: PubMed 20458665 (cited by Labcorp Genetics (formerly Invitae), Labcorp); PubMed 19138872 (cited by Labcorp Genetics (formerly Invitae), Labcorp); PubMed 17334707 (cited by Labcorp Genetics (formerly Invitae), Labcorp).